The following is an entry in ClinVar:

NM_198253.3(TERT):c.475T>G (p.Phe159Val)

Gene: TERT (telomerase reverse transcriptase; minus strand). Cytogenetic location: 5p15.33.
Variant type: single nucleotide variant.
Coding change: c.475T>G on transcript NM_198253.3 (MANE Select); coding-DNA position 475, T replaced by G.
Protein change: p.Phe159Val; replaces phenylalanine 159 with valine.
Molecular consequence: missense variant. On other transcripts: non-coding transcript variant (2).
Genome position (GRCh38, 1-based): chr5:1,294,411, A>C on the plus strand (T>G on the coding strand, the complement: TERT is on the minus strand). VCF-style: chr5-1294411-A-C. GRCh37 (hg19) VCF-style: chr5-1294526-A-C.
Other names: c.475T>G, p.Phe159Val (NM_001193376.3); short protein forms F159V.
Identifiers: ClinVar variation 3805768 (VCV003805768.1).
Genomic context (GRCh38, chr5:1,294,411, plus strand): 5'-CGAGCTGGTACAGCGGCGGCCCGCACACCTGGTAGGCGCAGCTGGGAGCCACCAGCACAA[A>C]GAGCGCGCAGCGTGCCAGCAGGTGAACCAGCACGTCGTCGCCCACGCGGCGCAGCAGCAG-3'
Protein context (NP_937983.2, residues 149-169): LVHLLARCAL[Phe159Val]VLVAPSCAYQ

ClinVar aggregate classification (germline): Uncertain significance (1 of 4 stars; one submission).

Conditions:
Dyskeratosis congenita. Identifiers: Orphanet 1775, MedGen C0265965, MONDO:0015780.

Submission:

Ambry Genetics
Classification: Uncertain significance for Dyskeratosis congenita. Last evaluated: 2025-01-13. Review status: criteria provided, single submitter. Criteria: Ambry Variant Classification Scheme 2023. Collection method: clinical testing. Allele origin: germline.
Comment: The p.F159V variant (also known as c.475T>G), located in coding exon 2 of the TERT gene, results from a T to G substitution at nucleotide position 475. The phenylalanine at codon 159 is replaced by valine, an amino acid with highly similar properties. This amino acid position is conserved. In addition, the in silico prediction for this alteration is inconclusive. Based on the available evidence, the clinical significance of this variant remains unclear.